The following is an entry in ClinVar:

NM_001035.3(RYR2):c.7116-11A>T

Gene: RYR2 (ryanodine receptor 2; plus strand). Cytogenetic location: 1q43.
Variant type: single nucleotide variant.
Coding change: c.7116-11A>T on transcript NM_001035.3 (MANE Select); 11 bases into the intron before coding-DNA position 7116, A replaced by T.
Molecular consequence: intron variant.
Genome position (GRCh38, 1-based): chr1:237,640,886, A>T. VCF-style: chr1-237640886-A-T. GRCh37 (hg19) VCF-style: chr1-237804186-A-T.
Identifiers: ClinVar variation 2883250 (VCV002883250.5), dbSNP rs1046406129, ClinGen allele CA2487423559.

ClinVar aggregate classification (germline): Likely benign. Review status: criteria provided, multiple submitters, no conflicts (2 of 4 stars). 3 submissions from 3 submitters: Likely benign (3). Last evaluated 2025-02-03.

Conditions:
Catecholaminergic polymorphic ventricular tachycardia 1. Also called: RYR2-Related Catecholaminergic Polymorphic Ventricular Tachycardia; VENTRICULAR TACHYCARDIA, CATECHOLAMINERGIC POLYMORPHIC, 1, WITH OR WITHOUT ATRIAL DYSFUNCTION AND/OR DILATED CARDIOMYOPATHY; VENTRICULAR TACHYCARDIA, STRESS-INDUCED POLYMORPHIC 1. Identifiers: Orphanet 3286, MedGen C1631597, MONDO:0011484, OMIM 604772.
Catecholaminergic polymorphic ventricular tachycardia (CVPT). Also called: Catecholamine-induced polymorphic ventricular tachycardia. Identifiers: Orphanet 3286, MedGen C5574922, MONDO:0017990.
Cardiomyopathy (CMYO). Also called: Cardiomyopathies. Identifiers: Orphanet 167848, MedGen C0878544, MONDO:0004994, HP:0001638. Inheritance: Various modes of inheritance.

gnomAD v4.1: 27 of 1,607,886 alleles (0.0017%); highest among the groups gnomAD compares: Non-Finnish European, 0.0023%; no homozygotes.

Submissions (3):

Labcorp Genetics (formerly Invitae), Labcorp
Classification: Likely benign for Catecholaminergic polymorphic ventricular tachycardia 1. Last evaluated: 2025-02-03. Review status: criteria provided, single submitter. Criteria: Invitae Variant Classification Sherloc (09022015). Collection method: clinical testing. Allele origin: germline.

All of Us Research Program, National Institutes of Health
Classification: Likely benign for Catecholaminergic polymorphic ventricular tachycardia. Last evaluated: 2024-03-24. Review status: criteria provided, single submitter. Criteria: ACMG Guidelines, 2015. Collection method: clinical testing. Allele origin: germline. Inheritance: Autosomal dominant inheritance. Observed: 1 variant allele, 1 heterozygote.
Comment: This study involves interpretation of variants in research participants for the purpose of population health screening. Participant phenotype was not available at the time of variant classification. Additional details can be found in publication PMID: 35346344, PMCID: PMC8962531

Color Diagnostics, LLC DBA Color Health
Classification: Likely benign for Cardiomyopathy. Last evaluated: 2024-03-13. Review status: criteria provided, single submitter. Criteria: ACMG Guidelines, 2015. Collection method: clinical testing. Allele origin: germline.